The following is an entry in ClinVar:

ClinVar aggregate classification (germline): Conflicting classifications of pathogenicity. Review status: criteria provided, conflicting classifications (1 of 4 stars). 5 submissions from 5 submitters: Uncertain significance (4); Likely benign (1). Last evaluated 2026-01-27.

Conditions:
Short stature-optic atrophy-Pelger-Huët anomaly syndrome. Also called: Short stature, optic nerve atrophy, and Pelger-Huet anomaly; Short stature-optic atrophy-Pelger-HuC+t anomaly syndrome. Identifiers: Orphanet 391677, MedGen C3541319, MONDO:0013889, OMIM 614800.
Infantile liver failure syndrome 2 (ILFS2). Identifiers: MedGen C3809651, MONDO:0014659, OMIM 616483.

Allele frequency attached by ClinVar (database versions not stated): ExAC 0.00010; gnomAD exomes 0.00016 and 0.00008; gnomAD 0.00017; ESP Exome Variant Server 0.00008; TOPMed 0.00011.
gnomAD v4.1: 253 of 1,612,042 alleles (0.016%); highest among the groups gnomAD compares: Middle Eastern, 0.049%; no homozygotes.

Submissions (5):

Labcorp Genetics (formerly Invitae), Labcorp
Classification: Likely benign. Last evaluated: 2026-01-27. Review status: criteria provided, single submitter. Criteria: Invitae Variant Classification Sherloc (09022015). Collection method: clinical testing. Allele origin: germline.

GeneDx
Classification: Uncertain significance. Last evaluated: 2022-12-05. Review status: criteria provided, single submitter. Criteria: GeneDx Variant Classification Process June 2021. Collection method: clinical testing. Allele origin: germline. Affected: yes.
Comment: In silico analysis supports that this missense variant has a deleterious effect on protein structure/function; This variant is associated with the following publications: (PMID: 31589614, 34490615, 31761904)

Fulgent Genetics
Classification: Uncertain significance for Short stature-optic atrophy-Pelger-Huët anomaly syndrome; Infantile liver failure syndrome 2. Last evaluated: 2022-04-26. Review status: criteria provided, single submitter. Criteria: ACMG Guidelines, 2015. Collection method: clinical testing. Allele origin: unknown.

Genomic Research Center, Shahid Beheshti University of Medical Sciences
Classification: Uncertain significance for Short stature, optic nerve atrophy, and Pelger-Huet anomaly. Last evaluated: 2020-05-03. Review status: criteria provided, single submitter. Criteria: ACMG Guidelines, 2015. Collection method: clinical testing. Allele origin: unknown. Affected: yes.

Neuberg Centre For Genomic Medicine, NCGM
Classification: Uncertain significance for Short stature-optic atrophy-Pelger-Huët anomaly syndrome. Review status: criteria provided, single submitter. Criteria: ACMG Guidelines, 2015. Collection method: clinical testing. Allele origin: germline. Inheritance: Autosomal recessive inheritance. Affected: yes.
Comment: The observed missense variant c.2012T>G(p.Phe671Cys) in NBAS gene has been reported previously in an individual with mitochondrial disorders (Staufner C, et al., 2020). The c.2012T>G variant has 0.01% allele frequency in gnomAD Exomes. This variant has been reported to the ClinVar database as Uncertain Significance. The amino acid Phenylalanine at position 671 is changed to a Cysteine changing protein sequence and it might alter its composition and physico-chemical properties. Multiple lines of computational evidence (Polyphen-probabaly damaging, SIFT-damaging and Mutation Taster-disease causing) predict a damaging effect on protein structure and function for this variant. The reference amino acid p.Phe671Cys in NBAS is predicted as conserved by GERP++ and PhyloP across 100 vertebrates. For these reasons, this variant has been classified as Uncertain Significance. NCGM ID: [PII REDACTED] in heterozygous state.

NM_015909.4(NBAS):c.2012T>G (p.Phe671Cys)

Gene: NBAS (NBAS subunit of NRZ tethering complex; minus strand). Cytogenetic location: 2p24.3.
Variant type: single nucleotide variant.
Coding change: c.2012T>G on transcript NM_015909.4 (MANE Select); coding-DNA position 2012, T replaced by G.
Protein change: p.Phe671Cys; replaces phenylalanine 671 with cysteine.
Molecular consequence: missense variant. On other transcripts: non-coding transcript variant (1).
Genome position (GRCh38, 1-based): chr2:15,467,670, A>C on the plus strand (T>G on the coding strand, the complement: NBAS is on the minus strand). VCF-style: chr2-15467670-A-C. GRCh37 (hg19) VCF-style: chr2-15607794-A-C.
Other names: short protein forms F671C.
Identifiers: ClinVar variation 523072 (VCV000523072.13), dbSNP rs143212851, ClinGen allele CA1536497.
Genomic context (GRCh38, chr2:15,467,670, plus strand): 5'-AAATGATTAGTTATTTTAAAGAAACTATCAAATGAACAGTAACAACTCATTTACTTGGAA[A>C]AGTTCACTAATTTCAGTAGTTCTTGTCTCTTCTTGAGCTCCTTTTCCTTTTTATTCTTGG-3'
Protein context (NP_056993.2, residues 661-681): KRQELLKLVN[Phe671Cys]SKLTLEQKEL